The following is an entry in ClinVar:

ClinVar aggregate classification (germline): Uncertain significance (1 of 4 stars; one submission).

gnomAD v4.1: 18 of 1,612,544 alleles (0.0011%); highest among the groups gnomAD compares: South Asian, 0.0022%; no homozygotes.

Submission:

Women's Health and Genetics/Laboratory Corporation of America, LabCorp
Classification: Uncertain significance. Last evaluated: 2025-09-18. Review status: criteria provided, single submitter. Criteria: LabCorp Variant Classification Summary - May 2015. Collection method: clinical testing. Allele origin: germline.
Comment: Variant summary: H1-4 c.391C>T (p.Pro131Ser) results in a non-conservative amino acid change in the encoded protein sequence. Algorithms developed to predict the effect of missense changes on protein structure and function are either unavailable or do not agree on the potential impact of this missense change. The variant allele was found at a frequency of 8.2e-06 in 242902 control chromosomes. The available data on variant occurrences in the general population are insufficient to allow any conclusion about variant significance. To our knowledge, no occurrence of c.391C>T in individuals affected with H1-4-related conditions and no experimental evidence demonstrating its impact on protein function have been reported. ClinVar contains an entry for this variant (Variation ID: 3375375). Based on the evidence outlined above, the variant was classified as uncertain significance.

NM_005321.3(H1-4):c.391C>T (p.Pro131Ser)

Gene: H1-4 (H1.4 linker histone, cluster member; plus strand). Cytogenetic location: 6p22.2.
Variant type: single nucleotide variant.
Coding change: c.391C>T on transcript NM_005321.3 (MANE Select); coding-DNA position 391, C replaced by T.
Protein change: p.Pro131Ser; replaces proline 131 with serine.
Molecular consequence: missense variant.
Genome position (GRCh38, 1-based): chr6:26,156,781, C>T. VCF-style: chr6-26156781-C-T. GRCh37 (hg19) VCF-style: chr6-26157009-C-T.
Other names: short protein forms P131S.
Identifiers: ClinVar variation 3375375 (VCV003375375.2).